The following is an entry in ClinVar:

NM_003139.4(SRPRA):c.859G>C (p.Gly287Arg)

Gene: SRPRA (SRP receptor subunit alpha; minus strand). Cytogenetic location: 11q24.2.
Variant type: single nucleotide variant.
Coding change: c.859G>C on transcript NM_003139.4 (MANE Select); coding-DNA position 859, G replaced by C.
Protein change: p.Gly287Arg; replaces glycine 287 with arginine.
Molecular consequence: missense variant.
Genome position (GRCh38, 1-based): chr11:126,266,260, C>G on the plus strand (G>C on the coding strand, the complement: SRPRA is on the minus strand). VCF-style: chr11-126266260-C-G. GRCh37 (hg19) VCF-style: chr11-126136155-C-G.
Other names: c.775G>C, p.Gly259Arg (NM_001177842.2); short protein forms G259R, G287R.
Identifiers: ClinVar variation 4978202 (VCV004978202.1).
Genomic context (GRCh38, chr11:126,266,260, plus strand): 5'-AGTTTTGAGCAGCCCCTTCGTCATCAGAGCTGCTGCAGTCCAGATCCTGAAGCTGCCCCC[C>G]AGACCCAGTCCCTCGAATCTGGAAGATACGGGGAAAGGATGTGGGGTCAGGAACACTAAG-3'
Protein context (NP_003130.2, residues 277-297): DINLIRGTGS[Gly287Arg]GQLQDLDCSS

ClinVar aggregate classification (germline): Likely benign (1 of 4 stars; one submission).

Conditions:
SRPRA-related disorder. Also called: SRPRA-related condition.

gnomAD v4.1: 36 of 1,614,092 alleles (0.0022%); highest among the groups gnomAD compares: Non-Finnish European, 0.0029%; no homozygotes.

Submission:

PreventionGenetics, part of Exact Sciences
Classification: Likely benign for SRPRA-related condition. Last evaluated: 2025-12-12. Review status: criteria provided, single submitter. Criteria: ACMG Guidelines, 2015. Collection method: clinical testing. Allele origin: germline.
Comment: This variant is classified as likely benign based on ACMG/AMP sequence variant interpretation guidelines (Richards et al. 2015 PMID: 25741868, with internal and published modifications).